The following is an entry in ClinVar:

NM_003809.3(TNFSF12):c.274C>T (p.Arg92Cys)

Genes: TNFSF12 (TNF superfamily member 12; plus strand), TNFSF12-TNFSF13 (TNFSF12-TNFSF13 readthrough; plus strand). Cytogenetic location: 17p13.1.
Variant type: single nucleotide variant.
Coding change: c.274C>T on transcript NM_003809.3 (MANE Select); coding-DNA position 274, C replaced by T.
Protein change: p.Arg92Cys; replaces arginine 92 with cysteine.
Molecular consequence: missense variant. On other transcripts: non-coding transcript variant (1).
Genome position (GRCh38, 1-based): chr17:7,550,186, C>T. VCF-style: chr17-7550186-C-T. GRCh37 (hg19) VCF-style: chr17-7453503-C-T.
Other names: c.274C>T (NM_003809.2); c.274C>T, p.Arg92Cys (NM_172089.4); short protein forms R92C.
Identifiers: ClinVar variation 1356848 (VCV001356848.9), dbSNP rs758492571, ClinGen allele CA8350738.

ClinVar aggregate classification (germline): Uncertain significance. Review status: criteria provided, multiple submitters, no conflicts (2 of 4 stars). 2 submissions from 2 submitters: Uncertain significance (2). Last evaluated 2026-06-15.

Conditions:
TNFSF12-related disorder. Also called: TNFSF12-related condition.
Common variable immunodeficiency (CVID). Also called: Common variable hypogamma-globulinemia; Common variable agammaglobulinemia. Identifiers: Orphanet 1572, MedGen C0009447, MONDO:0015517.

Submissions (2):

PreventionGenetics, part of Exact Sciences
Classification: Uncertain significance for TNFSF12-related condition. Last evaluated: 2026-06-15. Review status: criteria provided, single submitter. Criteria: ACMG Guidelines, 2015. Collection method: clinical testing. Allele origin: germline.
Comment: The TNFSF12 c.274C>T variant is predicted to result in the amino acid substitution p.Arg92Cys. To our knowledge, this variant has not been reported in the literature. This variant is reported in 0.0062% of alleles in individuals of African descent in gnomAD. At this time, the clinical significance of this variant is uncertain due to the absence of conclusive functional and genetic evidence.

Labcorp Genetics (formerly Invitae), Labcorp
Classification: Uncertain significance for Common variable immunodeficiency. Last evaluated: 2022-07-05. Review status: criteria provided, single submitter. Criteria: Invitae Variant Classification Sherloc (09022015). Collection method: clinical testing. Allele origin: germline.
Comment: This sequence change replaces arginine, which is basic and polar, with cysteine, which is neutral and slightly polar, at codon 92 of the TNFSF12 protein (p.Arg92Cys). This variant is present in population databases (rs758492571, gnomAD 0.007%). This variant has not been reported in the literature in individuals affected with TNFSF12-related conditions. ClinVar contains an entry for this variant (Variation ID: 1356848). Algorithms developed to predict the effect of missense changes on protein structure and function are either unavailable or do not agree on the potential impact of this missense change (SIFT: "Deleterious"; PolyPhen-2: "Benign"; Align-GVGD: "Class C0"). In summary, the available evidence is currently insufficient to determine the role of this variant in disease. Therefore, it has been classified as a Variant of Uncertain Significance.